The following is an entry in ClinVar:

ClinVar aggregate classification (germline): Likely benign (1 of 4 stars; one submission).

Conditions:
Glycine encephalopathy. Also called: Non-ketotic hyperglycinemia; Nonketotic hyperglycinemia. Identifiers: Orphanet 407, MedGen C0751748, MONDO:0011612, HP:0008288.

Allele frequency attached by ClinVar (database versions not stated): TOPMed 0.00006; gnomAD exomes 0.00114; 1000 Genomes Project 0.00140; 1000 Genomes Project 30x 0.00172; ExAC 0.00384.
gnomAD v4.1: 412 of 797,190 alleles (0.052%); highest among the groups gnomAD compares: South Asian, 0.55%; 3 homozygotes.

Submission:

Illumina Laboratory Services, Illumina
Classification: Likely benign for Glycine encephalopathy 1. Last evaluated: 2018-01-12. Review status: criteria provided, single submitter. Criteria: ICSL Variant Classification Criteria 13 December 2019. Collection method: clinical testing. Allele origin: germline.
Comment: This variant was observed in the ICSL laboratory as part of a predisposition screen in an ostensibly healthy population. It had not been previously curated by ICSL or reported in the Human Gene Mutation Database (HGMD: prior to June 1st, 2018), and was therefore a candidate for classification through an automated scoring system. Utilizing variant allele frequency, disease prevalence and penetrance estimates, and inheritance mode, an automated score was calculated to assess if this variant is too frequent to cause the disease. Based on the score and internal cut-off values, a variant classified as likely benign is not then subjected to further curation. The score for this variant resulted in a classification of likely benign for this disease.

NM_000481.4(AMT):c.*416C>T

Gene: AMT (aminomethyltransferase; minus strand). Cytogenetic location: 3p21.31.
Variant type: single nucleotide variant.
Coding change: c.*416C>T on transcript NM_000481.4 (MANE Select); 416 bases downstream of the stop codon, C replaced by T.
Molecular consequence: 3 prime UTR variant. On other transcripts: non-coding transcript variant (1).
Genome position (GRCh38, 1-based): chr3:49,417,124, G>A on the plus strand (C>T on the coding strand, the complement: AMT is on the minus strand). VCF-style: chr3-49417124-G-A. GRCh37 (hg19) VCF-style: chr3-49454557-G-A.
Other names: c.*416C>T (NM_001164710.2, NM_001164711.2); c.*220C>T (NM_001164712.2).
Identifiers: ClinVar variation 900802 (VCV000900802.4), dbSNP rs571207015, ClinGen allele CA2398071.
Genomic context (GRCh38, chr3:49,417,124, plus strand): 5'-ACTTGCAGTAAGGACAATTTGCATTTACGGAAAGCAAACTGGAGGGGGTAGCCTAAGTCC[G>A]CACTGCCCATGTTATTACCCTTTGCAATGTGAAAAACCATGGTGAGGTAGGTTGGGCAGG-3'